The following is an entry in ClinVar:

NM_001130438.3(SPTAN1):c.3103C>A (p.Leu1035Ile)

Gene: SPTAN1 (spectrin alpha, non-erythrocytic 1; plus strand). Cytogenetic location: 9q34.11.
Variant type: single nucleotide variant.
Coding change: c.3103C>A on transcript NM_001130438.3 (MANE Select); coding-DNA position 3103, C replaced by A.
Protein change: p.Leu1035Ile; replaces leucine 1035 with isoleucine.
Molecular consequence: missense variant.
Genome position (GRCh38, 1-based): chr9:128,591,573, C>A. VCF-style: chr9-128591573-C-A. GRCh37 (hg19) VCF-style: chr9-131353852-C-A.
Other names: c.3103C>A, p.Leu1035Ile (NM_001375311.2, NM_001375313.1, NM_001375314.2 and 5 more transcripts); c.3139C>A, p.Leu1047Ile (NM_001375312.2, NM_001375318.1); short protein forms L1035I, L1047I.
Identifiers: ClinVar variation 2749874 (VCV002749874.3), dbSNP rs1853533209, ClinGen allele CA375060446.

ClinVar aggregate classification (germline): Uncertain significance (1 of 4 stars; one submission).

Conditions:
Early-infantile DEE. Also called: Ohtahara syndrome; Early infantile epileptic encephalopathy; Early infantile epileptic encephalopathy with suppression bursts. Identifiers: Orphanet 1934, MedGen C0393706, MONDO:0800491.

Submission:

Labcorp Genetics (formerly Invitae), Labcorp
Classification: Uncertain significance for Early-infantile DEE. Last evaluated: 2023-12-13. Review status: criteria provided, single submitter. Criteria: Invitae Variant Classification Sherloc (09022015). Collection method: clinical testing. Allele origin: germline.
Comment: This sequence change replaces leucine, which is neutral and non-polar, with isoleucine, which is neutral and non-polar, at codon 1035 of the SPTAN1 protein (p.Leu1035Ile). This variant is not present in population databases (gnomAD no frequency). This variant has not been reported in the literature in individuals affected with SPTAN1-related conditions. Advanced modeling of protein sequence and biophysical properties (such as structural, functional, and spatial information, amino acid conservation, physicochemical variation, residue mobility, and thermodynamic stability) has been performed at Invitae for this missense variant, however the output from this modeling did not meet the statistical confidence thresholds required to predict the impact of this variant on SPTAN1 protein function. In summary, the available evidence is currently insufficient to determine the role of this variant in disease. Therefore, it has been classified as a Variant of Uncertain Significance.